The following is an entry in ClinVar:

NM_014991.6(WDFY3):c.2689G>A (p.Glu897Lys)

Genes: WDFY3 (WD repeat and FYVE domain containing 3; minus strand), WDFY3-AS1 (WDFY3 antisense RNA 1; plus strand). Cytogenetic location: 4q21.23.
Variant type: single nucleotide variant.
Coding change: c.2689G>A on transcript NM_014991.6 (MANE Select); coding-DNA position 2689, G replaced by A.
Protein change: p.Glu897Lys; replaces glutamic acid 897 with lysine.
Molecular consequence: missense variant.
Genome position (GRCh38, 1-based): chr4:84,801,783, C>T on the plus strand (G>A on the coding strand, the complement: WDFY3 is on the minus strand). VCF-style: chr4-84801783-C-T. GRCh37 (hg19) VCF-style: chr4-85722936-C-T.
Other names: short protein forms E897K.
Identifiers: ClinVar variation 1306977 (VCV001306977.2), dbSNP rs2149650995, ClinGen allele CA357564148.

ClinVar aggregate classification (germline): Uncertain significance (1 of 4 stars; one submission).

Submission:

GeneDx
Classification: Uncertain significance. Last evaluated: 2019-07-25. Review status: criteria provided, single submitter. Criteria: GeneDx Variant Classification Process June 2021. Collection method: clinical testing. Allele origin: germline. Affected: yes.
Comment: Not observed in large population cohorts (Lek et al., 2016); In silico analysis, which includes protein predictors and evolutionary conservation, supports that this variant does not alter protein structure/function; Has not been previously published as pathogenic or benign to our knowledge